The following is an entry in ClinVar:

NM_001369.3(DNAH5):c.8315G>A (p.Arg2772Gln)

Gene: DNAH5 (dynein axonemal heavy chain 5; minus strand). Cytogenetic location: 5p15.2.
Variant type: single nucleotide variant.
Coding change: c.8315G>A on transcript NM_001369.3 (MANE Select); coding-DNA position 8315, G replaced by A.
Protein change: p.Arg2772Gln; replaces arginine 2772 with glutamine.
Molecular consequence: missense variant.
Genome position (GRCh38, 1-based): chr5:13,792,127, C>T on the plus strand (G>A on the coding strand, the complement: DNAH5 is on the minus strand). VCF-style: chr5-13792127-C-T. GRCh37 (hg19) VCF-style: chr5-13792236-C-T.
Other names: short protein forms R2772Q.
Identifiers: ClinVar variation 864658 (VCV000864658.12), dbSNP rs755210201, ClinGen allele CA3202843.

ClinVar aggregate classification (germline): Uncertain significance. Review status: criteria provided, multiple submitters, no conflicts (2 of 4 stars). 3 submissions from 3 submitters: Uncertain significance (2). 1 of the submissions does not count toward it. Last evaluated 2023-10-05.

Conditions:
Primary ciliary dyskinesia. Also called: Ciliary dyskinesia. Identifiers: Orphanet 244, MedGen C0008780, MONDO:0016575, HP:0012265.

Allele frequency attached by ClinVar (database versions not stated): gnomAD exomes below 0.00001; TOPMed below 0.00001; ExAC 0.00001; gnomAD 0.00001.
gnomAD v4.1: 6 of 1,613,822 alleles (0.00037%); highest among the groups gnomAD compares: African/African-American, 0.0027%; no homozygotes.

Submissions (3):

Blueprint Genetics
Classification: Uncertain significance. Last evaluated: 2023-10-05. Review status: criteria provided, single submitter. Criteria: ACMG Guidelines, 2015. Collection method: clinical testing. Allele origin: germline.

Labcorp Genetics (formerly Invitae), Labcorp
Classification: Uncertain significance for Primary ciliary dyskinesia. Last evaluated: 2021-09-01. Review status: criteria provided, single submitter. Criteria: Invitae Variant Classification Sherloc (09022015). Collection method: clinical testing. Allele origin: germline.
Comment: This sequence change replaces arginine with glutamine at codon 2772 of the DNAH5 protein (p.Arg2772Gln). The arginine residue is moderately conserved and there is a small physicochemical difference between arginine and glutamine. This variant is present in population databases (rs755210201, ExAC 0.006%). This variant has not been reported in the literature in individuals affected with DNAH5-related conditions. Algorithms developed to predict the effect of missense changes on protein structure and function output the following: SIFT: "Tolerated"; PolyPhen-2: "Possibly Damaging"; Align-GVGD: "Class C0". The glutamine amino acid residue is found in multiple mammalian species, which suggests that this missense change does not adversely affect protein function. In summary, the available evidence is currently insufficient to determine the role of this variant in disease. Therefore, it has been classified as a Variant of Uncertain Significance.

Natera, Inc.
Classification: Uncertain significance for Primary ciliary dyskinesia. Last evaluated: 2020-03-17. Review status: no assertion criteria provided. Collection method: clinical testing. Allele origin: germline. Not counted in ClinVar's aggregate classification.